The following is an entry in ClinVar:

ClinVar aggregate classification (germline): Uncertain significance. Review status: criteria provided, multiple submitters, no conflicts (2 of 4 stars). 2 submissions from 2 submitters: Uncertain significance (2). Last evaluated 2022-07-05.

Conditions:
Inborn genetic diseases. Identifiers: MedGen C0950123, MeSH D030342.
Charcot-Marie-Tooth disease type 4. Also called: Charcot-Marie-Tooth, Type 4; Charcot-Marie-Tooth disease, type IV. Identifiers: Orphanet 64749, MedGen C4082197, MONDO:0018995.

Allele frequency attached by ClinVar (database versions not stated): gnomAD exomes 0.00001 and 0.00002; TOPMed 0.00002; ExAC 0.00003; gnomAD 0.00002; ESP Exome Variant Server 0.00008.
gnomAD v4.1: 21 of 1,614,030 alleles (0.0013%); highest among the groups gnomAD compares: Non-Finnish European, 0.0016%; no homozygotes.

Submissions (2):

Labcorp Genetics (formerly Invitae), Labcorp
Classification: Uncertain significance for Charcot-Marie-Tooth disease type 4. Last evaluated: 2022-07-05. Review status: criteria provided, single submitter. Criteria: Invitae Variant Classification Sherloc (09022015). Collection method: clinical testing. Allele origin: germline.
Comment: This sequence change replaces phenylalanine, which is neutral and non-polar, with leucine, which is neutral and non-polar, at codon 799 of the PRX protein (p.Phe799Leu). This variant is present in population databases (rs372370577, gnomAD 0.005%). This variant has not been reported in the literature in individuals affected with PRX-related conditions. ClinVar contains an entry for this variant (Variation ID: 1416858). Algorithms developed to predict the effect of missense changes on protein structure and function output the following: SIFT: "Tolerated"; PolyPhen-2: "Benign"; Align-GVGD: "Class C0". The leucine amino acid residue is found in multiple mammalian species, which suggests that this missense change does not adversely affect protein function. In summary, the available evidence is currently insufficient to determine the role of this variant in disease. Therefore, it has been classified as a Variant of Uncertain Significance.

Ambry Genetics
Classification: Uncertain significance for Inborn genetic diseases. Last evaluated: 2021-03-07. Review status: criteria provided, single submitter. Criteria: Ambry Variant Classification Scheme 2023. Collection method: clinical testing. Allele origin: germline.
Comment: The p.F799L variant (also known as c.2395T>C), located in coding exon 4 of the PRX gene, results from a T to C substitution at nucleotide position 2395. The phenylalanine at codon 799 is replaced by leucine, an amino acid with highly similar properties. This amino acid position is not well conserved in available vertebrate species. In addition, this alteration is predicted to be tolerated by in silico analysis. Since supporting evidence is limited at this time, the clinical significance of this alteration remains unclear.

NM_181882.3(PRX):c.2395T>C (p.Phe799Leu)

Gene: PRX (periaxin; minus strand). Cytogenetic location: 19q13.2.
Variant type: single nucleotide variant.
Coding change: c.2395T>C on transcript NM_181882.3 (MANE Select); coding-DNA position 2395, T replaced by C.
Protein change: p.Phe799Leu; replaces phenylalanine 799 with leucine.
Molecular consequence: missense variant. On other transcripts: 3 prime UTR variant (1).
Genome position (GRCh38, 1-based): chr19:40,395,957, A>G on the plus strand (T>C on the coding strand, the complement: PRX is on the minus strand). VCF-style: chr19-40395957-A-G. GRCh37 (hg19) VCF-style: chr19-40901864-A-G.
Other names: c.*2600T>C (NM_020956.2); short protein forms F799L.
Identifiers: ClinVar variation 1416858 (VCV001416858.7), dbSNP rs372370577, ClinGen allele CA9444061.